The following is an entry in ClinVar:

ClinVar aggregate classification (germline): Uncertain significance (1 of 4 stars; one submission).

Conditions:
Ehlers-Danlos syndrome, classic type, 1 (EDSCL1). Also called: EHLERS-DANLOS SYNDROME, GRAVIS TYPE; EHLERS-DANLOS SYNDROME, SEVERE CLASSIC TYPE; Ehlers-Danlos syndrome, type 1; Ehlers-Danlos Syndrome, Classic Type, COL5A1-Related; EDS I. Identifiers: MedGen C0268335, MONDO:0019567, OMIM 130000.

Submission:

Labcorp Genetics (formerly Invitae), Labcorp
Classification: Uncertain significance for Ehlers-Danlos syndrome, classic type, 1. Last evaluated: 2024-04-08. Review status: criteria provided, single submitter. Criteria: Invitae Variant Classification Sherloc (09022015). Collection method: clinical testing. Allele origin: germline.
Comment: This sequence change replaces lysine, which is basic and polar, with glutamic acid, which is acidic and polar, at codon 1125 of the COL5A1 protein (p.Lys1125Glu). This variant is not present in population databases (gnomAD no frequency). This variant has not been reported in the literature in individuals affected with COL5A1-related conditions. Advanced modeling of protein sequence and biophysical properties (such as structural, functional, and spatial information, amino acid conservation, physicochemical variation, residue mobility, and thermodynamic stability) performed at Invitae indicates that this missense variant is not expected to disrupt COL5A1 protein function with a negative predictive value of 95%. In summary, the available evidence is currently insufficient to determine the role of this variant in disease. Therefore, it has been classified as a Variant of Uncertain Significance.

NM_000093.5(COL5A1):c.3373A>G (p.Lys1125Glu)

Gene: COL5A1 (collagen type V alpha 1 chain; plus strand). Cytogenetic location: 9q34.3.
Variant type: single nucleotide variant.
Coding change: c.3373A>G on transcript NM_000093.5 (MANE Select); coding-DNA position 3373, A replaced by G.
Protein change: p.Lys1125Glu; replaces lysine 1125 with glutamic acid.
Molecular consequence: missense variant.
Genome position (GRCh38, 1-based): chr9:134,809,189, A>G. VCF-style: chr9-134809189-A-G. GRCh37 (hg19) VCF-style: chr9-137701035-A-G.
Other names: c.3373A>G, p.Lys1125Glu (NM_001278074.1); short protein forms K1125E.
Identifiers: ClinVar variation 2796709 (VCV002796709.3), dbSNP rs1838416826, ClinGen allele CA375452804.